The following is an entry in ClinVar:

NM_018249.6(CDK5RAP2):c.5075C>T (p.Thr1692Met)

Gene: CDK5RAP2 (CDK5 regulatory subunit associated protein 2; minus strand). Cytogenetic location: 9q33.2.
Variant type: single nucleotide variant.
Coding change: c.5075C>T on transcript NM_018249.6 (MANE Select); coding-DNA position 5075, C replaced by T.
Protein change: p.Thr1692Met; replaces threonine 1692 with methionine.
Molecular consequence: missense variant. On other transcripts: non-coding transcript variant (5).
Genome position (GRCh38, 1-based): chr9:120,403,038, G>A on the plus strand (C>T on the coding strand, the complement: CDK5RAP2 is on the minus strand). VCF-style: chr9-120403038-G-A. GRCh37 (hg19) VCF-style: chr9-123165316-G-A.
Other names: c.4838C>T, p.Thr1613Met (NM_001011649.3); c.4385C>T, p.Thr1462Met (NM_001272039.2); c.4976C>T, p.Thr1659Met (NM_001410992.1); c.4979C>T, p.Thr1660Met (NM_001410993.1); c.5072C>T, p.Thr1691Met (NM_001410994.1); c.5075C>T (NM_018249.4); short protein forms T1659M, T1613M, T1691M, T1692M, T1462M, T1660M.
Identifiers: ClinVar variation 2081332 (VCV002081332.5), dbSNP rs200125217, ClinGen allele CA5213372.

ClinVar aggregate classification (germline): Conflicting classifications of pathogenicity. Review status: criteria provided, conflicting classifications (1 of 4 stars). 3 submissions from 3 submitters: Uncertain significance (2); Likely benign (1). Last evaluated 2022-11-09.

Conditions:
Microcephaly 3, primary, autosomal recessive. Identifiers: Orphanet 2512, MedGen C1858108, MONDO:0011488, OMIM 604804.
Inborn genetic diseases. Identifiers: MedGen C0950123, MeSH D030342.

Allele frequency attached by ClinVar (database versions not stated): gnomAD exomes 0.00003; gnomAD 0.00005; ESP Exome Variant Server 0.00008; ExAC 0.00009; TOPMed 0.00012; 1000 Genomes Project 30x 0.00016; 1000 Genomes Project 0.00020.
gnomAD v4.1: 49 of 1,614,146 alleles (0.003%); highest among the groups gnomAD compares: Admixed American, 0.065%; no homozygotes.

Submissions (3):

Ambry Genetics
Classification: Likely benign for Inborn genetic diseases. Last evaluated: 2022-11-09. Review status: criteria provided, single submitter. Criteria: Ambry Variant Classification Scheme 2023. Collection method: clinical testing. Allele origin: germline.

Labcorp Genetics (formerly Invitae), Labcorp
Classification: Uncertain significance. Last evaluated: 2022-07-13. Review status: criteria provided, single submitter. Criteria: Invitae Variant Classification Sherloc (09022015). Collection method: clinical testing. Allele origin: germline.
Comment: This sequence change replaces threonine, which is neutral and polar, with methionine, which is neutral and non-polar, at codon 1692 of the CDK5RAP2 protein (p.Thr1692Met). This variant is present in population databases (rs200125217, gnomAD 0.1%). This variant has not been reported in the literature in individuals affected with CDK5RAP2-related conditions. Algorithms developed to predict the effect of missense changes on protein structure and function output the following: SIFT: "Tolerated"; PolyPhen-2: "Benign"; Align-GVGD: "Class C0". The methionine amino acid residue is found in multiple mammalian species, which suggests that this missense change does not adversely affect protein function. In summary, the available evidence is currently insufficient to determine the role of this variant in disease. Therefore, it has been classified as a Variant of Uncertain Significance.

Revvity Omics, Revvity
Classification: Uncertain significance for Microcephaly 3, primary, autosomal recessive. Last evaluated: 2020-11-17. Review status: criteria provided, single submitter. Criteria: ACMG Guidelines, 2015. Collection method: clinical testing. Allele origin: germline.